The following is an entry in ClinVar:

NM_001792.5(CDH2):c.415G>A (p.Glu139Lys)

Gene: CDH2 (cadherin 2; minus strand). Cytogenetic location: 18q12.1.
Variant type: single nucleotide variant.
Coding change: c.415G>A on transcript NM_001792.5 (MANE Select); coding-DNA position 415, G replaced by A.
Protein change: p.Glu139Lys; replaces glutamic acid 139 with lysine.
Molecular consequence: missense variant.
Genome position (GRCh38, 1-based): chr18:28,011,977, C>T on the plus strand (G>A on the coding strand, the complement: CDH2 is on the minus strand). VCF-style: chr18-28011977-C-T. GRCh37 (hg19) VCF-style: chr18-25591941-C-T.
Other names: c.322G>A, p.Glu108Lys (NM_001308176.2); c.415G>A (NM_001792.3); short protein forms E108K, E139K.
Identifiers: ClinVar variation 1691635 (VCV001691635.12), dbSNP rs1393676210, ClinGen allele CA402244037.

ClinVar aggregate classification (germline): Uncertain significance. Review status: criteria provided, multiple submitters, no conflicts (2 of 4 stars). 3 submissions from 3 submitters: Uncertain significance (3). Last evaluated 2025-12-02.

Conditions:
Inborn genetic diseases. Identifiers: MedGen C0950123, MeSH D030342.

Allele frequency attached by ClinVar (database versions not stated): gnomAD 0.00001; TOPMed 0.00003.
gnomAD v4.1: 3 of 1,613,624 alleles (0.00019%); highest among the groups gnomAD compares: African/African-American, 0.004%; no homozygotes.

Submissions (3):

Ambry Genetics
Classification: Uncertain significance for Inborn genetic diseases. Last evaluated: 2025-12-02. Review status: criteria provided, single submitter. Criteria: Ambry Variant Classification Scheme 2023. Collection method: clinical testing. Allele origin: germline.
Comment: The p.E139K variant (also known as c.415G>A), located in coding exon 4 of the CDH2 gene, results from a G to A substitution at nucleotide position 415. The glutamic acid at codon 139 is replaced by lysine, an amino acid with similar properties. This amino acid position is conserved. In addition, this alteration is predicted to be tolerated by in silico analysis. Since supporting evidence is limited at this time, the clinical significance of this alteration remains unclear.

GeneDx
Classification: Uncertain significance. Last evaluated: 2025-08-10. Review status: criteria provided, single submitter. Criteria: GeneDx Variant Classification Process June 2021. Collection method: clinical testing. Allele origin: germline. Affected: yes.
Comment: Not observed at significant frequency in large population cohorts (gnomAD); In silico analysis supports that this missense variant has a deleterious effect on protein structure/function; Has not been previously published as pathogenic or benign to our knowledge

Labcorp Genetics (formerly Invitae), Labcorp
Classification: Uncertain significance. Last evaluated: 2024-10-18. Review status: criteria provided, single submitter. Criteria: Invitae Variant Classification Sherloc (09022015). Collection method: clinical testing. Allele origin: germline.
Comment: This sequence change replaces glutamic acid, which is acidic and polar, with lysine, which is basic and polar, at codon 139 of the CDH2 protein (p.Glu139Lys). This variant is not present in population databases (gnomAD no frequency). This variant has not been reported in the literature in individuals affected with CDH2-related conditions. ClinVar contains an entry for this variant (Variation ID: 1691635). An algorithm developed to predict the effect of missense changes on protein structure and function (PolyPhen-2) suggests that this variant is likely to be tolerated. In summary, the available evidence is currently insufficient to determine the role of this variant in disease. Therefore, it has been classified as a Variant of Uncertain Significance.